The following is an entry in ClinVar:

ClinVar aggregate classification (germline): Uncertain significance (1 of 4 stars; one submission).

Allele frequency attached by ClinVar (database versions not stated): gnomAD exomes below 0.00001.
gnomAD v4.1: 1 of 1,614,034 alleles (0.000062%); highest among the groups gnomAD compares: Non-Finnish European, 0.000085%; no homozygotes.

Submission:

Labcorp Genetics (formerly Invitae), Labcorp
Classification: Uncertain significance. Last evaluated: 2022-02-25. Review status: criteria provided, single submitter. Criteria: Invitae Variant Classification Sherloc (09022015). Collection method: clinical testing. Allele origin: germline.
Comment: This sequence change replaces isoleucine, which is neutral and non-polar, with valine, which is neutral and non-polar, at codon 912 of the UBE3B protein (p.Ile912Val). This variant is not present in population databases (gnomAD no frequency). This variant has not been reported in the literature in individuals affected with UBE3B-related conditions. Algorithms developed to predict the effect of missense changes on protein structure and function (SIFT, PolyPhen-2, Align-GVGD) all suggest that this variant is likely to be tolerated. In summary, the available evidence is currently insufficient to determine the role of this variant in disease. Therefore, it has been classified as a Variant of Uncertain Significance.

NM_130466.4(UBE3B):c.2734A>G (p.Ile912Val)

Gene: UBE3B (ubiquitin protein ligase E3B; plus strand). Cytogenetic location: 12q24.11.
Variant type: single nucleotide variant.
Coding change: c.2734A>G on transcript NM_130466.4 (MANE Select); coding-DNA position 2734, A replaced by G.
Protein change: p.Ile912Val; replaces isoleucine 912 with valine.
Molecular consequence: missense variant.
Genome position (GRCh38, 1-based): chr12:109,529,996, A>G. VCF-style: chr12-109529996-A-G. GRCh37 (hg19) VCF-style: chr12-109967801-A-G.
Other names: c.2734A>G, p.Ile912Val (NM_183415.3); short protein forms I912V.
Identifiers: ClinVar variation 2103689 (VCV002103689.4), dbSNP rs2548575410, ClinGen allele CA386647065.